The following is an entry in ClinVar:

NM_001042492.3(NF1):c.4975C>T (p.Leu1659Phe)

Gene: NF1 (neurofibromin 1; plus strand). Cytogenetic location: 17q11.2.
Variant type: single nucleotide variant.
Coding change: c.4975C>T on transcript NM_001042492.3 (MANE Select); coding-DNA position 4975, C replaced by T.
Protein change: p.Leu1659Phe; replaces leucine 1659 with phenylalanine.
Molecular consequence: missense variant.
Genome position (GRCh38, 1-based): chr17:31,325,959, C>T. VCF-style: chr17-31325959-C-T. GRCh37 (hg19) VCF-style: chr17-29652977-C-T.
Other names: c.4912C>T, p.Leu1638Phe (NM_000267.4); short protein forms L1638F, L1659F.
Identifiers: ClinVar variation 2890708 (VCV002890708.3), dbSNP rs786203709, ClinGen allele CA399007232.

ClinVar aggregate classification (germline): Uncertain significance (1 of 4 stars; one submission).

Conditions:
Neurofibromatosis, type 1 (NF1). Also called: Neurofibromatosis, type I; VON RECKLINGHAUSEN DISEASE; Peripheral type neurofibromatosis; NEUROFIBROMATOSIS, TYPE I, SOMATIC. Identifiers: Orphanet 636, MedGen C0027831, MONDO:0018975, OMIM 162200. Disease mechanism: loss of function.

Allele frequency attached by ClinVar (database versions not stated): gnomAD exomes below 0.00001.
gnomAD v4.1: 1 of 1,614,210 alleles (0.000062%); highest among the groups gnomAD compares: African/African-American, 0.0013%; no homozygotes.

Submission:

Labcorp Genetics (formerly Invitae), Labcorp
Classification: Uncertain significance for Neurofibromatosis, type 1. Last evaluated: 2023-06-02. Review status: criteria provided, single submitter. Criteria: Invitae Variant Classification Sherloc (09022015). Collection method: clinical testing. Allele origin: germline.
Comment: Advanced modeling of protein sequence and biophysical properties (such as structural, functional, and spatial information, amino acid conservation, physicochemical variation, residue mobility, and thermodynamic stability) performed at Invitae indicates that this missense variant is expected to disrupt NF1 protein function. In summary, the available evidence is currently insufficient to determine the role of this variant in disease. Therefore, it has been classified as a Variant of Uncertain Significance. This variant has not been reported in the literature in individuals affected with NF1-related conditions. This sequence change replaces leucine, which is neutral and non-polar, with phenylalanine, which is neutral and non-polar, at codon 1638 of the NF1 protein (p.Leu1638Phe). This variant is not present in population databases (gnomAD no frequency).